The following is an entry in ClinVar:

NM_001372106.1(DNAH10):c.5525C>T (p.Thr1842Met)

Gene: DNAH10 (dynein axonemal heavy chain 10; plus strand). Cytogenetic location: 12q24.31.
Variant type: single nucleotide variant.
Coding change: c.5525C>T on transcript NM_001372106.1 (MANE Select); coding-DNA position 5525, C replaced by T.
Protein change: p.Thr1842Met; replaces threonine 1842 with methionine.
Molecular consequence: missense variant.
Genome position (GRCh38, 1-based): chr12:123,845,764, C>T. VCF-style: chr12-123845764-C-T. GRCh37 (hg19) VCF-style: chr12-124330311-C-T.
Other names: c.5171C>T, p.Thr1724Met (NM_207437.3); short protein forms T1724M, T1842M.
Identifiers: ClinVar variation 402616 (VCV000402616.5), dbSNP rs34934281, ClinGen allele CA6863889.
Genomic context (GRCh38, chr12:123,845,764, plus strand): 5'-AGAAGCAGGCCATGAAGAACTATGGCAGGAAAATGCACCGGCAGATCGATGAGTTGGTAA[C>T]GCGCATCACCATGCCGCTAAGCAAAAACGACAGGAAAAAATACAACACTGTTCTCATCAT-3'
Protein context (NP_001359035.1, residues 1832-1852): KMHRQIDELV[Thr1842Met]RITMPLSKND

ClinVar aggregate classification (germline): Benign. Review status: criteria provided, multiple submitters, no conflicts (2 of 4 stars). 2 submissions from 2 submitters: Benign (2). Last evaluated 2016-03-29.

Allele frequency attached by ClinVar (database versions not stated): 1000 Genomes Project 30x 0.05044; 1000 Genomes Project 0.05092; gnomAD 0.08132 and 0.08278; TOPMed 0.08244; ESP Exome Variant Server 0.08621; gnomAD exomes 0.08664 and 0.10923; ExAC 0.08736.
gnomAD v4.1: 171,643 of 1,613,898 alleles (11%); highest among the groups gnomAD compares: Non-Finnish European, 12%; 10,189 homozygotes.

Submissions (2):

Laboratory for Molecular Medicine, Mass General Brigham Personalized Medicine
Classification: Benign. Last evaluated: 2016-03-29. Review status: criteria provided, single submitter. Criteria: LMM Criteria. Collection method: clinical testing. Allele origin: germline.
Comment: Variant identified in a genome or exome case(s) and assessed due to predicted null impact of the variant or pathogenic assertions in the literature or databases. Disclaimer: This variant has not undergone full assessment. The following are preliminary notes: MAF

Breakthrough Genomics
Classification: Benign. Review status: criteria provided, single submitter. Criteria: ACMG Guidelines, 2015. Collection method: not provided. Allele origin: germline. Inheritance: Autosomal recessive inheritance. Affected: yes.